The following is an entry in ClinVar:

ClinVar aggregate classification (germline): Uncertain significance. Review status: criteria provided, multiple submitters, no conflicts (2 of 4 stars). 2 submissions from 2 submitters: Uncertain significance (2). Last evaluated 2026-10-14.

Conditions:
TRIOBP-related disorder. Also called: TRIOBP-related condition.

Allele frequency attached by ClinVar (database versions not stated): ExAC 0.00006; gnomAD 0.00004; TOPMed 0.00005; ESP Exome Variant Server 0.00008.
gnomAD v4.1: 49 of 1,613,466 alleles (0.003%); highest among the groups gnomAD compares: African/African-American, 0.02%; no homozygotes.

Submissions (2):

GeneDx
Classification: Uncertain significance. Last evaluated: 2026-10-14. Review status: criteria provided, single submitter. Criteria: GeneDx Variant Classification Process June 2021. Collection method: clinical testing. Allele origin: germline.
Comment: In silico analysis suggests that this missense variant does not alter protein structure/function; Has not been previously published as pathogenic or benign to our knowledge

PreventionGenetics, part of Exact Sciences
Classification: Uncertain significance for TRIOBP-related condition. Last evaluated: 2025-09-10. Review status: criteria provided, single submitter. Criteria: ACMG Guidelines, 2015. Collection method: clinical testing. Allele origin: germline.
Comment: The TRIOBP c.7079G>A variant is predicted to result in the amino acid substitution p.Arg2360His. To our knowledge, this variant has not been reported in the literature. This variant is reported in 0.012% of alleles in individuals of African descent in gnomAD. At this time, the clinical significance of this variant is uncertain due to the absence of conclusive functional and genetic evidence.

NM_001039141.3(TRIOBP):c.7079G>A (p.Arg2360His)

Gene: TRIOBP (TRIO and F-actin binding protein; plus strand). Cytogenetic location: 22q13.1.
Variant type: single nucleotide variant.
Coding change: c.7079G>A on transcript NM_001039141.3 (MANE Select); coding-DNA position 7079, G replaced by A.
Protein change: p.Arg2360His; replaces arginine 2360 with histidine.
Molecular consequence: missense variant.
Genome position (GRCh38, 1-based): chr22:37,772,743, G>A. VCF-style: chr22-37772743-G-A. GRCh37 (hg19) VCF-style: chr22-38168750-G-A.
Other names: c.1940G>A, p.Arg647His (NM_007032.5); short protein forms R2360H, R647H.
Identifiers: ClinVar variation 3252621 (VCV003252621.3), dbSNP rs373460457.